The following is an entry in ClinVar:

ClinVar aggregate classification (germline): Likely benign. Review status: criteria provided, single submitter (1 of 4 stars). 4 submissions from 4 submitters: Likely benign (1). 3 of the submissions do not count toward it. Last evaluated 2026-01-25.

Conditions:
OR2W3-related disorder. Also called: OR2W3-related condition.

Allele frequency attached by ClinVar (database versions not stated): 1000 Genomes Project 0.00040; 1000 Genomes Project 30x 0.00094; ExAC 0.00124; gnomAD exomes 0.00138; TOPMed 0.00142; gnomAD 0.00144 and 0.00148; ESP Exome Variant Server 0.00238.
gnomAD v4.1: 4,166 of 1,614,006 alleles (0.26%); highest among the groups gnomAD compares: Non-Finnish European, 0.32%; 9 homozygotes.

Submissions (4):

Labcorp Genetics (formerly Invitae), Labcorp
Classification: Likely benign. Last evaluated: 2026-01-25. Review status: criteria provided, single submitter. Criteria: Invitae Variant Classification Sherloc (09022015). Collection method: clinical testing. Allele origin: germline.

PreventionGenetics, part of Exact Sciences
Classification: Likely benign for OR2W3-related condition. Last evaluated: 2022-07-07. Review status: no assertion criteria provided. Collection method: clinical testing. Allele origin: germline. Not counted in ClinVar's aggregate classification.
Comment: This variant is classified as likely benign based on ACMG/AMP sequence variant interpretation guidelines (Richards et al. 2015 PMID: 25741868, with internal and published modifications).

Clinical Genetics DNA and cytogenetics Diagnostics Lab, Erasmus MC, Erasmus Medical Center
Classification: Likely benign. Review status: no assertion criteria provided. Collection method: clinical testing. Allele origin: germline. Affected: yes. Study: VKGL Data-share Consensus. Not counted in ClinVar's aggregate classification.

Clinical Genetics, Academic Medical Center
Classification: Likely benign. Review status: no assertion criteria provided. Collection method: clinical testing. Allele origin: germline. Affected: yes. Study: VKGL Data-share Consensus. Not counted in ClinVar's aggregate classification.

NM_001001957.2(OR2W3):c.715G>A (p.Gly239Ser)

Gene: OR2W3 (olfactory receptor family 2 subfamily W member 3; plus strand). Cytogenetic location: 1q44.
Variant type: single nucleotide variant.
Coding change: c.715G>A on transcript NM_001001957.2 (MANE Select); coding-DNA position 715, G replaced by A.
Protein change: p.Gly239Ser; replaces glycine 239 with serine.
Molecular consequence: missense variant.
Genome position (GRCh38, 1-based): chr1:247,896,301, G>A. VCF-style: chr1-247896301-G-A. GRCh37 (hg19) VCF-style: chr1-248059603-G-A.
Other names: short protein forms G239S.
Identifiers: ClinVar variation 1284400 (VCV001284400.13), dbSNP rs142197394, ClinGen allele CA1498669.